The following is an entry in ClinVar:

ClinVar aggregate classification (germline): Uncertain significance. Review status: criteria provided, single submitter (1 of 4 stars). 2 submissions from 2 submitters: Uncertain significance (1). 1 of the submissions does not count toward it. Last evaluated 2023-07-17.

Conditions:
Glycine encephalopathy. Also called: Non-ketotic hyperglycinemia; Nonketotic hyperglycinemia. Identifiers: Orphanet 407, MedGen C0751748, MONDO:0011612, HP:0008288.
Glycine encephalopathy 1 (GCE1). Identifiers: MedGen CN376801, MONDO:0958179, OMIM 605899.

Submissions (2):

Labcorp Genetics (formerly Invitae), Labcorp
Classification: Uncertain significance for Glycine encephalopathy. Last evaluated: 2023-07-17. Review status: criteria provided, single submitter. Criteria: Invitae Variant Classification Sherloc (09022015). Collection method: clinical testing. Allele origin: germline.
Comment: In summary, the available evidence is currently insufficient to determine the role of this variant in disease. Therefore, it has been classified as a Variant of Uncertain Significance. Experimental studies and prediction algorithms are not available or were not evaluated, and the functional significance of this variant is currently unknown. ClinVar contains an entry for this variant (Variation ID: 556477). This variant has not been reported in the literature in individuals affected with GLDC-related conditions. This variant is not present in population databases (gnomAD no frequency). This variant, c.184_186del, results in the deletion of 1 amino acid(s) of the GLDC protein (p.Asp62del), but otherwise preserves the integrity of the reading frame.

Counsyl
Classification: Uncertain significance for Glycine encephalopathy 1. Last evaluated: 2018-02-06. Review status: no assertion criteria provided. Collection method: clinical testing. Allele origin: unknown. Not counted in ClinVar's aggregate classification.

NM_000170.3(GLDC):c.181GAC[1] (p.Asp62del)

Gene: GLDC (glycine decarboxylase; minus strand). Cytogenetic location: 9p24.1.
Variant type: Microsatellite.
Coding change: c.181GAC[1] on transcript NM_000170.3 (MANE Select); one copy of the 3-base unit GAC starting at c.181; the reference has two copies in a row; one copy, 3 bases deleted.
Protein change: p.Asp62del; deletes aspartic acid 62.
Molecular consequence: inframe deletion.
Genome position (GRCh38, 1-based): chr9:6,645,314-6,645,316, GTC deleted on the plus strand (GAC on the coding strand, the reverse complement: GLDC is on the minus strand); deleting any 3 consecutive bases within chr9:6,645,314-6,645,321 gives the same sequence; the position shown is the placement nearest the transcript's 3' end. VCF-style (leftmost placement, unchanged base first): chr9-6645313-AGTC-A. GRCh37 (hg19) VCF-style: chr9-6645313-AGTC-A.
Other names: c.184_186delGAC (NM_000170.2); short protein forms D62del.
Identifiers: ClinVar variation 556477 (VCV000556477.7), dbSNP rs1554652789, ClinGen allele CA658822019.
Genomic context (GRCh38, chr9:6,645,313, plus strand): 5'-CCAAGGTCTGCAGCATCTCTCTCTGGTCTTTGTCCCCAGGGCCGATGTGCCTCCGAGCGA[AGTC>A]GTCGTGTCTGGGCAGAAGGCGCTCCAGGAGGCGCGAGGCCCCAGCCGCGGCGCTGTCCCC-3'